The following is an entry in ClinVar:

NM_000341.4(SLC3A1):c.1473C>T (p.Ala491=)

Gene: SLC3A1 (solute carrier family 3 member 1; plus strand). Cytogenetic location: 2p21.
Variant type: single nucleotide variant.
Coding change: c.1473C>T on transcript NM_000341.4 (MANE Select); coding-DNA position 1473, C replaced by T.
Protein change: p.Ala491=; no amino-acid change (alanine 491 retained).
Molecular consequence: synonymous variant.
Genome position (GRCh38, 1-based): chr2:44,312,726, C>T. VCF-style: chr2-44312726-C-T. GRCh37 (hg19) VCF-style: chr2-44539865-C-T.
Identifiers: ClinVar variation 725403 (VCV000725403.54), dbSNP rs144065614, ClinGen allele CA1640594.

ClinVar aggregate classification (germline): Conflicting classifications of pathogenicity. Review status: criteria provided, conflicting classifications (1 of 4 stars). 5 submissions from 5 submitters: Uncertain significance (1); Likely benign (4). Last evaluated 2026-08-01.

Conditions:
SLC3A1-related disorder. Also called: SLC3A1-related condition.
Cystinuria (CSNU). Also called: CYSTINURIA, TYPE I; CYSTINURIA, TYPE II; CYSTINURIA, TYPE III; Cystinuria, non-type I. Identifiers: Orphanet 214, MedGen C0010691, MONDO:0009067, OMIM 220100, HP:0003131.

Allele frequency attached by ClinVar (database versions not stated): 1000 Genomes Project 30x 0.00016; 1000 Genomes Project 0.00020; gnomAD 0.00026 and 0.00028; ExAC 0.00034; gnomAD exomes 0.00034; TOPMed 0.00036; ESP Exome Variant Server 0.00062.
gnomAD v4.1: 455 of 1,613,180 alleles (0.028%); highest among the groups gnomAD compares: Middle Eastern, 0.68%; 4 homozygotes.

Submissions (5):

CeGaT Center for Human Genetics Tuebingen
Classification: Likely benign. Last evaluated: 2026-08-01. Review status: criteria provided, single submitter. Criteria: CeGaT Center For Human Genetics Tuebingen Variant Classification Criteria Version 2. Collection method: clinical testing. Allele origin: germline. Affected: yes. Observed: 2 variant alleles.
Comment: SLC3A1: BP4, BP7

Labcorp Genetics (formerly Invitae), Labcorp
Classification: Likely benign for Cystinuria. Last evaluated: 2026-01-18. Review status: criteria provided, single submitter. Criteria: Invitae Variant Classification Sherloc (09022015). Collection method: clinical testing. Allele origin: germline.

PreventionGenetics, part of Exact Sciences
Classification: Likely benign for SLC3A1-related condition. Last evaluated: 2025-02-19. Review status: criteria provided, single submitter. Criteria: ACMG Guidelines, 2015. Collection method: clinical testing. Allele origin: germline.
Comment: This variant is classified as likely benign based on ACMG/AMP sequence variant interpretation guidelines (Richards et al. 2015 PMID: 25741868, with internal and published modifications).

Blueprint Genetics
Classification: Likely benign. Last evaluated: 2024-11-04. Review status: criteria provided, single submitter. Criteria: ACMG Guidelines, 2015. Collection method: clinical testing. Allele origin: germline.

Illumina Laboratory Services, Illumina
Classification: Uncertain significance for Cystinuria. Last evaluated: 2017-04-27. Review status: criteria provided, single submitter. Criteria: ICSL Variant Classification Criteria 13 December 2019. Collection method: clinical testing. Allele origin: germline.